The following is an entry in ClinVar:

NM_001023.4(RPS20):c.5C>G (p.Ala2Gly)

Gene: RPS20 (ribosomal protein S20; minus strand). Cytogenetic location: 8q12.1.
Variant type: single nucleotide variant.
Coding change: c.5C>G on transcript NM_001023.4 (MANE Select); coding-DNA position 5, C replaced by G.
Protein change: p.Ala2Gly; replaces alanine 2 with glycine.
Molecular consequence: missense variant.
Genome position (GRCh38, 1-based): chr8:56,074,158, G>C on the plus strand (C>G on the coding strand, the complement: RPS20 is on the minus strand). VCF-style: chr8-56074158-G-C. GRCh37 (hg19) VCF-style: chr8-56986717-G-C.
Other names: c.5C>G, p.Ala2Gly (NM_001146227.3); c.5C>G (NM_001023.3); short protein forms A2G.
Identifiers: ClinVar variation 2678453 (VCV002678453.3), dbSNP rs753426252, ClinGen allele CA371284216.
Genomic context (GRCh38, chr8:56,074,158, plus strand): 5'-ATTCGAATTCGGTGAATTGCCACCTCCGGCTCCACGGGTGTTTTTCCGGTATCCTTAAAA[G>C]CCTATTATTAGATACATGAAAAAGAACAATAAGCCAAAAATGGTCTGCCACTTCTGGAGA-3'
Protein context (NP_001014.1, residues 1-12): M[Ala2Gly]FKDTGKTPVE

ClinVar aggregate classification (germline): Uncertain significance. Review status: criteria provided, multiple submitters, no conflicts (2 of 4 stars). 3 submissions from 3 submitters: Uncertain significance (3). Last evaluated 2025-09-24.

Conditions:
Hereditary nonpolyposis colon cancer (HNPCC). Also called: Hereditary Nonpolyposis Colorectal Cancer Syndrome; Hereditary nonpolyposis colorectal cancer; Familial nonpolyposis colon cancer. Identifiers: Orphanet 443909, MedGen C1333990, MONDO:0018630. Disease mechanism: loss of function.

gnomAD v4.1: 11 of 1,609,832 alleles (0.00068%); highest among the groups gnomAD compares: African/African-American, 0.0027%; no homozygotes.

Submissions (3):

Labcorp Genetics (formerly Invitae), Labcorp
Classification: Uncertain significance. Last evaluated: 2025-09-24. Review status: criteria provided, single submitter. Criteria: Invitae Variant Classification Sherloc (09022015). Collection method: clinical testing. Allele origin: germline.
Comment: This sequence change replaces alanine, which is neutral and non-polar, with glycine, which is neutral and non-polar, at codon 2 of the RPS20 protein (p.Ala2Gly). This variant is present in population databases (no rsID available, gnomAD 0.007%). This variant has not been reported in the literature in individuals affected with RPS20-related conditions. ClinVar contains an entry for this variant (Variation ID: 2678453). An algorithm developed to predict the effect of missense changes on protein structure and function (PolyPhen-2) suggests that this variant is likely to be tolerated. In summary, the available evidence is currently insufficient to determine the role of this variant in disease. Therefore, it has been classified as a Variant of Uncertain Significance.

Ambry Genetics
Classification: Uncertain significance. Last evaluated: 2025-06-24. Review status: criteria provided, single submitter. Criteria: Ambry Variant Classification Scheme 2023. Collection method: clinical testing. Allele origin: germline.
Comment: The p.A2G variant (also known as c.5C>G), located in coding exon 2 of the RPS20 gene, results from a C to G substitution at nucleotide position 5. The alanine at codon 2 is replaced by glycine, an amino acid with similar properties. This amino acid position is highly conserved in available vertebrate species. In addition, the in silico prediction for this alteration is inconclusive. Based on the available evidence, the clinical significance of this variant remains unclear.

Baylor Genetics
Classification: Uncertain significance for Hereditary Nonpolyposis Colorectal Cancer. Last evaluated: 2023-09-29. Review status: criteria provided, single submitter. Criteria: ACMG Guidelines, 2015. Collection method: clinical testing. Allele origin: unknown.